The following is an entry in ClinVar:

NM_004408.4(DNM1):c.821C>T (p.Thr274Met)

Gene: DNM1 (dynamin 1; plus strand). Cytogenetic location: 9q34.11.
Variant type: single nucleotide variant.
Coding change: c.821C>T on transcript NM_004408.4 (MANE Select); coding-DNA position 821, C replaced by T.
Protein change: p.Thr274Met; replaces threonine 274 with methionine.
Molecular consequence: missense variant.
Genome position (GRCh38, 1-based): chr9:128,220,313, C>T. VCF-style: chr9-128220313-C-T. GRCh37 (hg19) VCF-style: chr9-130982592-C-T.
Other names: c.821C>T (NM_004408.3); c.821C>T, p.Thr274Met (NM_001005336.3, NM_001288737.2, NM_001288738.2 and 2 more transcripts); short protein forms T274M.
Identifiers: ClinVar variation 1430126 (VCV001430126.32), dbSNP rs1284660372, ClinGen allele CA375013552.

ClinVar aggregate classification (germline): Uncertain significance. Review status: criteria provided, multiple submitters, no conflicts (2 of 4 stars). 4 submissions from 4 submitters: Uncertain significance (4). Last evaluated 2025-10-30.

Conditions:
Developmental and epileptic encephalopathy, 31A. Also called: Developmental and epileptic encephalopathy, 31; Epileptic encephalopathy, early infantile, 31. Identifiers: Orphanet 2382, MedGen C4225357, MONDO:0014598, OMIM 616346.

Allele frequency attached by ClinVar (database versions not stated): TOPMed 0.00001; gnomAD exomes 0.00004.
gnomAD v4.1: 31 of 1,614,162 alleles (0.0019%); highest among the groups gnomAD compares: Non-Finnish European, 0.0025%; no homozygotes.

Submissions (4):

GeneDx
Classification: Uncertain significance. Last evaluated: 2025-10-30. Review status: criteria provided, single submitter. Criteria: GeneDx Variant Classification Process June 2021. Collection method: clinical testing. Allele origin: germline.
Comment: Not observed at significant frequency in large population cohorts (gnomAD); In silico analysis supports that this missense variant has a deleterious effect on protein structure/function; Has not been previously published as pathogenic or benign to our knowledge

CeGaT Center for Human Genetics Tuebingen
Classification: Uncertain significance. Last evaluated: 2024-01-01. Review status: criteria provided, single submitter. Criteria: CeGaT Center For Human Genetics Tuebingen Variant Classification Criteria Version 2. Collection method: clinical testing. Allele origin: germline. Affected: yes. Observed: 1 variant allele.
Comment: DNM1: PM2, PP2, PP3

3billion
Classification: Uncertain significance for Developmental and epileptic encephalopathy, 31A. Last evaluated: 2023-08-16. Review status: criteria provided, single submitter. Criteria: ACMG Guidelines, 2015. Collection method: clinical testing. Allele origin: germline. Affected: yes.
Comment: The variant is not observed in the gnomAD v2.1.1 dataset. Predicted Consequence/Location: Missense changes are a common disease-causing mechanism. In silico tool predictions suggest damaging effect of the variant on gene or gene product [REVEL: 0.87 (>=0.6, sensitivity 0.68 and specificity 0.92)]. Therefore, this variant is classified as VUS according to the recommendation of ACMG/AMP guideline.

Labcorp Genetics (formerly Invitae), Labcorp
Classification: Uncertain significance for Developmental and epileptic encephalopathy, 31A. Last evaluated: 2022-03-19. Review status: criteria provided, single submitter. Criteria: Invitae Variant Classification Sherloc (09022015). Collection method: clinical testing. Allele origin: germline.
Comment: This variant has not been reported in the literature in individuals affected with DNM1-related conditions. This variant is not present in population databases (gnomAD no frequency). Advanced modeling of protein sequence and biophysical properties (such as structural, functional, and spatial information, amino acid conservation, physicochemical variation, residue mobility, and thermodynamic stability) performed at Invitae indicates that this missense variant is expected to disrupt DNM1 protein function. This sequence change replaces threonine, which is neutral and polar, with methionine, which is neutral and non-polar, at codon 274 of the DNM1 protein (p.Thr274Met). In summary, the available evidence is currently insufficient to determine the role of this variant in disease. Therefore, it has been classified as a Variant of Uncertain Significance.